The following is an entry in ClinVar:

ClinVar aggregate classification (germline): Uncertain significance. Review status: criteria provided, multiple submitters, no conflicts (2 of 4 stars). 2 submissions from 2 submitters: Uncertain significance (2). Last evaluated 2025-08-30.

Conditions:
Inborn genetic diseases. Identifiers: MedGen C0950123, MeSH D030342.

Allele frequency attached by ClinVar (database versions not stated): gnomAD exomes below 0.00001 and 0.00001; gnomAD 0.00001; ExAC 0.00002; TOPMed 0.00003; ESP Exome Variant Server 0.00015.
gnomAD v4.1: 3 of 1,614,040 alleles (0.00019%); highest among the groups gnomAD compares: African/African-American, 0.0027%; no homozygotes.

Submissions (2):

Ambry Genetics
Classification: Uncertain significance for Inborn genetic diseases. Last evaluated: 2025-08-30. Review status: criteria provided, single submitter. Criteria: Ambry Variant Classification Scheme 2023. Collection method: clinical testing. Allele origin: germline.

Labcorp Genetics (formerly Invitae), Labcorp
Classification: Uncertain significance. Last evaluated: 2021-04-15. Review status: criteria provided, single submitter. Criteria: Invitae Variant Classification Sherloc (09022015). Collection method: clinical testing. Allele origin: germline.
Comment: This sequence change replaces lysine with glutamic acid at codon 421 of the CDC45 protein (p.Lys421Glu). The lysine residue is moderately conserved and there is a small physicochemical difference between lysine and glutamic acid. This variant is present in population databases (rs147166441, ExAC 0.02%). This variant has not been reported in the literature in individuals with CDC45-related conditions. Algorithms developed to predict the effect of missense changes on protein structure and function are either unavailable or do not agree on the potential impact of this missense change (SIFT: "Deleterious"; PolyPhen-2: "Benign"; Align-GVGD: "Class C0"). In summary, the available evidence is currently insufficient to determine the role of this variant in disease. Therefore, it has been classified as a Variant of Uncertain Significance.

NM_003504.5(CDC45):c.1165A>G (p.Lys389Glu)

Gene: CDC45 (cell division cycle 45; plus strand). Cytogenetic location: 22q11.21.
Variant type: single nucleotide variant.
Coding change: c.1165A>G on transcript NM_003504.5 (MANE Select); coding-DNA position 1165, A replaced by G.
Protein change: p.Lys389Glu; replaces lysine 389 with glutamic acid.
Molecular consequence: missense variant. On other transcripts: non-coding transcript variant (1).
Genome position (GRCh38, 1-based): chr22:19,508,639, A>G. VCF-style: chr22-19508639-A-G. GRCh37 (hg19) VCF-style: chr22-19496162-A-G.
Other names: c.1261A>G, p.Lys421Glu (NM_001178010.2); c.1027A>G, p.Lys343Glu (NM_001178011.2); c.1129A>G, p.Lys377Glu (NM_001369291.1); c.1261A>G (NM_001178010.1); short protein forms K377E, K343E, K421E, K389E.
Identifiers: ClinVar variation 1352500 (VCV001352500.9), dbSNP rs147166441, ClinGen allele CA10101351.